The following is an entry in ClinVar:

NM_005271.5(GLUD1):c.2T>C (p.Met1Thr)

Genes: GLUD1 (glutamate dehydrogenase 1; minus strand), SHLD2 (shieldin complex subunit 2; plus strand). Cytogenetic location: 10q23.2.
Variant type: single nucleotide variant.
Coding change: c.2T>C on transcript NM_005271.5 (MANE Select); coding-DNA position 2, T replaced by C.
Protein change: p.Met1Thr; changes the start codon (methionine 1).
Molecular consequence: missense variant, initiator codon variant. On other transcripts: 5 prime UTR variant (3).
Genome position (GRCh38, 1-based): chr10:87,094,768, A>G on the plus strand (T>C on the coding strand, the complement: GLUD1 is on the minus strand). VCF-style: chr10-87094768-A-G. GRCh37 (hg19) VCF-style: chr10-88854525-A-G.
Other names: c.-727T>C (NM_001318904.2); c.-853T>C (NM_001318905.2); c.-560T>C (NM_001318906.2); short protein forms M1T.
Identifiers: ClinVar variation 3364120 (VCV003364120.1).

ClinVar aggregate classification (germline): Uncertain significance (1 of 4 stars; one submission).

gnomAD v4.1: 2 of 1,536,136 alleles (0.00013%); highest among the groups gnomAD compares: Non-Finnish European, 0.00018%; no homozygotes.

Submission:

GeneDx
Classification: Uncertain significance. Last evaluated: 2023-11-08. Review status: criteria provided, single submitter. Criteria: GeneDx Variant Classification Process June 2021. Collection method: clinical testing. Allele origin: germline. Affected: yes.
Comment: Not observed at significant frequency in large population cohorts (gnomAD); Has not been previously published as pathogenic or benign to our knowledge; Initiation codon variant in a gene for which loss-of-function is not a known mechanism of disease